The following is an entry in ClinVar:

NM_025265.4(TSEN2):c.1162G>A (p.Asp388Asn)

Gene: TSEN2 (tRNA splicing endonuclease subunit 2; plus strand). Cytogenetic location: 3p25.2.
Variant type: single nucleotide variant.
Coding change: c.1162G>A on transcript NM_025265.4 (MANE Select); coding-DNA position 1162, G replaced by A.
Protein change: p.Asp388Asn; replaces aspartic acid 388 with asparagine.
Molecular consequence: missense variant. On other transcripts: non-coding transcript variant (1).
Genome position (GRCh38, 1-based): chr3:12,529,787, G>A. VCF-style: chr3-12529787-G-A. GRCh37 (hg19) VCF-style: chr3-12571286-G-A.
Other names: c.1162G>A, p.Asp388Asn (NM_001145392.2, NM_001321277.2, NM_001321278.2); c.1084G>A, p.Asp362Asn (NM_001145393.3, NM_001321279.2); c.985G>A, p.Asp329Asn (NM_001145394.2); short protein forms D329N, D362N, D388N.
Identifiers: ClinVar variation 3776459 (VCV003776459.1).
Genomic context (GRCh38, chr3:12,529,787, plus strand): 5'-GATTACTTTTAACATGCTTTTTCTGTATTTTCCAGTTATTCTGTCATTATCGAGCTAGTT[G>A]ATGACCATTTTGAAGGCTCTCTCCGCAGGCCTCTCAGTTGGAAGTCCCTGGCTGCCTTGA-3'
Protein context (NP_079541.1, residues 378-398): ASYSVIIELV[Asp388Asn]DHFEGSLRRP

ClinVar aggregate classification (germline): Uncertain significance (1 of 4 stars; one submission).

gnomAD v4.1: 1 of 1,614,074 alleles (0.000062%); highest among the groups gnomAD compares: Non-Finnish European, 0.000085%; no homozygotes.

Submission:

GeneDx
Classification: Uncertain significance. Last evaluated: 2024-10-02. Review status: criteria provided, single submitter. Criteria: GeneDx Variant Classification Process June 2021. Collection method: clinical testing. Allele origin: germline. Affected: yes.
Comment: Not observed at significant frequency in large population cohorts (gnomAD); In silico analysis supports that this missense variant has a deleterious effect on protein structure/function; Has not been previously published as pathogenic or benign to our knowledge